The following is an entry in ClinVar:

ClinVar aggregate classification (germline): Pathogenic. Review status: criteria provided, multiple submitters, no conflicts (2 of 4 stars). 2 submissions from 2 submitters: Pathogenic (2). Last evaluated 2023-07-17.

Conditions:
Inborn genetic diseases. Identifiers: MedGen C0950123, MeSH D030342.
Neurodevelopmental disorder with or without early-onset generalized epilepsy. Identifiers: MedGen C5436914, MONDO:0030930, OMIM 619157.

Allele frequency attached by ClinVar (database versions not stated): gnomAD exomes below 0.00001.

Submissions (2):

Victorian Clinical Genetics Services, Murdoch Childrens Research Institute
Classification: Pathogenic for Neurodevelopmental disorder with or without early-onset generalized epilepsy. Last evaluated: 2023-07-17. Review status: criteria provided, single submitter. Criteria: ACMG Guidelines, 2015. Collection method: clinical testing. Allele origin: germline. Inheritance: Autosomal dominant inheritance. Affected: yes.
Comment: Based on the classification scheme VCGS_Germline_v1.3.4, this variant is classified as Pathogenic. Following criteria are met: 0102 - Loss of function is a known mechanism of disease in this gene and is associated with neurodevelopmental disorder with or without early-onset generalised epilepsy (MIM#619157). (I) 0107 - This gene is associated with autosomal dominant disease. (I) 0201 - Variant is predicted to cause nonsense-mediated decay (NMD) and loss of protein (premature termination codon is located at least 54 nucleotides upstream of the final exon-exon junction). (SP) 0251 - This variant is heterozygous. (I) 0301 - Variant is absent from gnomAD (both v2 and v3). (SP) 0701 - Other NMD-predicted variants comparable to the one identified in this case have very strong previous evidence for pathogenicity. Most pathogenic variants reported in this gene are NMD-predicted nonsense or frameshift variants (PMID: 35852783). (SP) 0803 - This variant has limited previous evidence of pathogenicity in unrelated individuals. This variant has been submitted once as pathogenic by a clinical laboratory in ClinVar. (SP) 0905 - No published segregation evidence has been identified for this variant. (I) 1007 - No published functional evidence has been identified for this variant. (I) 1208 - Inheritance information for this variant is not currently available in this individual. (I) Legend: (SP) - Supporting pathogenic, (I) - Information, (SB) - Supporting benign

Ambry Genetics
Classification: Pathogenic for Inborn genetic diseases. Last evaluated: 2020-05-01. Review status: criteria provided, single submitter. Criteria: Ambry Variant Classification Scheme 2023. Collection method: clinical testing. Allele origin: germline.
Comment: The alteration results in a premature stop codon: _x000D_ _x000D_ The c.4477_4478delAG (p.R1493Gfs*3) alteration, located in coding exon 27 of the NBEA gene, results from a deletion of 2 nucleotides from position 4477 to 4478, causing a translational frameshift with a predicted alternate stop codon after 3 amino acids. This alteration is expected to result in loss of function by premature protein truncation or nonsense-mediated mRNA decay. The alteration is not observed in population databases:_x000D_ _x000D_ Based on data from the Genome Aggregation Database (gnomAD), the NBEA c.4477_4478delAG alteration was not observed, with coverage at this position. Based on the available evidence, this alteration is classified as pathogenic.

Literature cited by the submitters: PubMed 35852783 (cited by Victorian Clinical Genetics Services, Murdoch Childrens Research Institute).

NM_001385012.1(NBEA):c.4477_4478del (p.Arg1493fs)

Gene: NBEA (neurobeachin; plus strand). Cytogenetic location: 13q13.3.
Variant type: Deletion.
Coding change: c.4477_4478del on transcript NM_001385012.1 (MANE Select); coding-DNA positions 4477 to 4478, 2 bases deleted (AG; older notation c.4477_4478delAG).
Protein change: p.Arg1493fs; shifts the reading frame from arginine 1493.
Molecular consequence: frameshift variant.
Genome position (GRCh38, 1-based): chr13:35,173,517-35,173,518, AG deleted. VCF-style (leftmost placement, unchanged base first): chr13-35173516-CAG-C. GRCh37 (hg19) VCF-style: chr13-35747653-CAG-C.
Other names: c.4468_4469del, p.Arg1490fs (NM_001379245.1); c.4477_4478del, p.Arg1493fs (NM_015678.5); short protein forms R1490fs, R1493fs.
Identifiers: ClinVar variation 985884 (VCV000985884.5), dbSNP rs2070635297, ClinGen allele CA1139663240.